The following is an entry in ClinVar:

NM_000217.3(KCNA1):c.260C>G (p.Pro87Arg)

Gene: KCNA1 (potassium voltage-gated channel subfamily A member 1; plus strand). Cytogenetic location: 12p13.32.
Variant type: single nucleotide variant.
Coding change: c.260C>G on transcript NM_000217.3 (MANE Select); coding-DNA position 260, C replaced by G.
Protein change: p.Pro87Arg; replaces proline 87 with arginine.
Molecular consequence: missense variant.
Genome position (GRCh38, 1-based): chr12:4,911,638, C>G. VCF-style: chr12-4911638-C-G. GRCh37 (hg19) VCF-style: chr12-5020804-C-G.
Other names: c.260C>G (NM_000217.2); short protein forms P87R.
Identifiers: ClinVar variation 1930376 (VCV001930376.6), dbSNP rs2497351817, ClinGen allele CA383454157.
Genomic context (GRCh38, chr12:4,911,638, plus strand): 5'-AGAAACGCATGCGCTACTTCGACCCCCTGAGGAACGAGTACTTCTTCGACCGCAACCGGC[C>G]CAGCTTCGACGCCATCCTCTACTACTACCAGTCCGGCGGCCGCCTGCGGAGGCCGGTCAA-3'
Protein context (NP_000208.2, residues 77-97): RNEYFFDRNR[Pro87Arg]SFDAILYYYQ

ClinVar aggregate classification (germline): Uncertain significance. Review status: criteria provided, multiple submitters, no conflicts (2 of 4 stars). 2 submissions from 2 submitters: Uncertain significance (2). Last evaluated 2025-01-13.

Conditions:
Episodic ataxia type 1 (EA1). Also called: ATAXIA, EPISODIC, WITH MYOKYMIA; Episodic ataxia/myokymia syndrome; MYOKYMIA WITH PERIODIC ATAXIA; PAROXYSMAL ATAXIA WITH NEUROMYOTONIA, HEREDITARY. Identifiers: Orphanet 37612, Orphanet 972, MedGen C1719788, MONDO:0008047, OMIM 160120.

Submissions (2):

GeneDx
Classification: Uncertain significance. Last evaluated: 2025-01-13. Review status: criteria provided, single submitter. Criteria: GeneDx Variant Classification Process June 2021. Collection method: clinical testing. Allele origin: germline. Affected: yes.
Comment: Not observed at significant frequency in large population cohorts (gnomAD); In silico analysis supports that this missense variant has a deleterious effect on protein structure/function; Has not been previously published as pathogenic or benign to our knowledge

Labcorp Genetics (formerly Invitae), Labcorp
Classification: Uncertain significance for Episodic ataxia type 1. Last evaluated: 2022-04-28. Review status: criteria provided, single submitter. Criteria: Invitae Variant Classification Sherloc (09022015). Collection method: clinical testing. Allele origin: germline.
Comment: This sequence change replaces proline, which is neutral and non-polar, with arginine, which is basic and polar, at codon 87 of the KCNA1 protein (p.Pro87Arg). In summary, the available evidence is currently insufficient to determine the role of this variant in disease. Therefore, it has been classified as a Variant of Uncertain Significance. Algorithms developed to predict the effect of missense changes on protein structure and function (SIFT, PolyPhen-2, Align-GVGD) all suggest that this variant is likely to be disruptive. This variant has not been reported in the literature in individuals affected with KCNA1-related conditions. This variant is not present in population databases (gnomAD no frequency).